The following is an entry in ClinVar:

NM_001458.5(FLNC):c.1019A>G (p.Tyr340Cys)

Gene: FLNC (filamin C; plus strand). Cytogenetic location: 7q32.1.
Variant type: single nucleotide variant.
Coding change: c.1019A>G on transcript NM_001458.5 (MANE Select); coding-DNA position 1019, A replaced by G.
Protein change: p.Tyr340Cys; replaces tyrosine 340 with cysteine.
Molecular consequence: missense variant.
Genome position (GRCh38, 1-based): chr7:128,838,036, A>G. VCF-style: chr7-128838036-A-G. GRCh37 (hg19) VCF-style: chr7-128478090-A-G.
Other names: c.1019A>G, p.Tyr340Cys (NM_001127487.2); c.1019A>G (NM_001458.4); short protein forms Y340C.
Identifiers: ClinVar variation 1059987 (VCV001059987.14), dbSNP rs1362619480, ClinGen allele CA369223406.

ClinVar aggregate classification (germline): Conflicting classifications of pathogenicity. Review status: criteria provided, conflicting classifications (1 of 4 stars). 5 submissions from 5 submitters: Uncertain significance (4); Likely benign (1). Last evaluated 2025-04-09.

Conditions:
Cardiovascular phenotype. Identifiers: MedGen CN230736.
Distal myopathy with posterior leg and anterior hand involvement. Also called: WILLIAMS DISTAL MYOPATHY. Identifiers: Orphanet 63273, MedGen C3279722, MONDO:0013550, OMIM 614065.
Myofibrillar myopathy 5. Also called: Filaminopathy (type); FILAMINOPATHY, AUTOSOMAL DOMINANT. Identifiers: Orphanet 171445, MedGen C1836050, MONDO:0012289, OMIM 609524.
Hypertrophic cardiomyopathy 26. Also called: Cardiomyopathy, familial hypertrophic, 26. Identifiers: Orphanet 75249, MedGen C4310749, MONDO:0014883, OMIM 617047.

Allele frequency attached by ClinVar (database versions not stated): gnomAD exomes below 0.00001; TOPMed below 0.00001; gnomAD 0.00001.
gnomAD v4.1: 5 of 1,613,848 alleles (0.00031%); highest among the groups gnomAD compares: African/African-American, 0.004%; no homozygotes.

Submissions (5):

Molecular Diagnostic Laboratory for Inherited Cardiovascular Disease, Montreal Heart Institute
Classification: Uncertain significance for Cardiovascular phenotype. Last evaluated: 2025-04-09. Review status: criteria provided, single submitter. Criteria: ACMG Guidelines, 2015. Collection method: clinical testing. Allele origin: germline. Affected: yes.
Comment: PM2, PP3

Women's Health and Genetics/Laboratory Corporation of America, LabCorp
Classification: Uncertain significance. Last evaluated: 2025-04-07. Review status: criteria provided, single submitter. Criteria: LabCorp Variant Classification Summary - May 2015. Collection method: clinical testing. Allele origin: germline.

Ambry Genetics
Classification: Uncertain significance for Cardiovascular phenotype. Last evaluated: 2025-03-03. Review status: criteria provided, single submitter. Criteria: Ambry Variant Classification Scheme 2023. Collection method: clinical testing. Allele origin: germline.
Comment: The p.Y340C variant (also known as c.1019A>G), located in coding exon 6 of the FLNC gene, results from an A to G substitution at nucleotide position 1019. The tyrosine at codon 340 is replaced by cysteine, an amino acid with highly dissimilar properties. This amino acid position is conserved. In addition, this alteration is predicted to be deleterious by in silico analysis. Based on the available evidence, the clinical significance of this variant remains unclear.

Labcorp Genetics (formerly Invitae), Labcorp
Classification: Likely benign for Distal myopathy with posterior leg and anterior hand involvement; Myofibrillar myopathy 5; Hypertrophic cardiomyopathy 26. Last evaluated: 2022-12-06. Review status: criteria provided, single submitter. Criteria: Invitae Variant Classification Sherloc (09022015). Collection method: clinical testing. Allele origin: germline.

Revvity Omics, Revvity
Classification: Uncertain significance. Last evaluated: 2021-06-04. Review status: criteria provided, single submitter. Criteria: ACMG Guidelines, 2015. Collection method: clinical testing. Allele origin: germline.